The following is an entry in ClinVar:

ClinVar aggregate classification (germline): Uncertain significance (1 of 4 stars; one submission).

Conditions:
Familial adenomatous polyposis 1 (FAP1). Also called: POLYPOSIS, ADENOMATOUS INTESTINAL; FAMILIAL ADENOMATOUS POLYPOSIS 1, ATTENUATED. Identifiers: MedGen C2713442, MONDO:0021056, OMIM 175100. Disease mechanism: loss of function.

Submission:

Labcorp Genetics (formerly Invitae), Labcorp
Classification: Uncertain significance for Familial adenomatous polyposis 1. Last evaluated: 2022-07-06. Review status: criteria provided, single submitter. Criteria: Invitae Variant Classification Sherloc (09022015). Collection method: clinical testing. Allele origin: germline.
Comment: Algorithms developed to predict the effect of missense changes on protein structure and function are either unavailable or do not agree on the potential impact of this missense change (SIFT: "Deleterious"; PolyPhen-2: "Benign"; Align-GVGD: "Class C15"). ClinVar contains an entry for this variant (Variation ID: 651505). This variant has not been reported in the literature in individuals affected with APC-related conditions. This variant is not present in population databases (gnomAD no frequency). This sequence change replaces aspartic acid, which is acidic and polar, with tyrosine, which is neutral and polar, at codon 610 of the APC protein (p.Asp610Tyr). In summary, the available evidence is currently insufficient to determine the role of this variant in disease. Therefore, it has been classified as a Variant of Uncertain Significance.

NM_000038.6(APC):c.1828G>T (p.Asp610Tyr)

Gene: APC (APC regulator of Wnt signaling pathway; plus strand). Cytogenetic location: 5q22.2.
Variant type: single nucleotide variant.
Coding change: c.1828G>T on transcript NM_000038.6 (MANE Select); coding-DNA position 1828, G replaced by T.
Protein change: p.Asp610Tyr; replaces aspartic acid 610 with tyrosine.
Molecular consequence: missense variant.
Genome position (GRCh38, 1-based): chr5:112,835,035, G>T. VCF-style: chr5-112835035-G-T. GRCh37 (hg19) VCF-style: chr5-112170732-G-T.
Other names: c.1828G>T, p.Asp610Tyr (NM_001127510.3, NM_001354895.2); c.1774G>T, p.Asp592Tyr (NM_001127511.3); c.1882G>T, p.Asp628Tyr (NM_001354896.2); c.1858G>T, p.Asp620Tyr (NM_001354897.2); c.1753G>T, p.Asp585Tyr (NM_001354898.2); c.1744G>T, p.Asp582Tyr (NM_001354899.2); c.1705G>T, p.Asp569Tyr (NM_001354900.2); c.1651G>T, p.Asp551Tyr (NM_001354901.2); and 5 more; short protein forms D450Y, D519Y, D551Y, D610Y, D484Y, D569Y, D582Y, D585Y.
Identifiers: ClinVar variation 651505 (VCV000651505.10), dbSNP rs1580603812, ClinGen allele CA16025322.